The following is an entry in ClinVar:

ClinVar aggregate classification (germline): Pathogenic/Likely pathogenic. Review status: criteria provided, multiple submitters, no conflicts (2 of 4 stars). 5 submissions from 5 submitters: Pathogenic (3); Likely pathogenic (1). 1 of the submissions does not count toward it. Last evaluated 2026-04-07.

Conditions:
ABCA4-related disorder. Also called: ABCA4-related condition; ABCA4-related disorders. Identifiers: MedGen CN239167.
Severe early-childhood-onset retinal dystrophy (STGD1). Also called: Stargardt macular dystrophy; Juvenile onset macular degeneration; Stargardt disease 1; MACULAR DYSTROPHY WITH FLECKS, TYPE 1; STGD. Identifiers: Orphanet 364055, Orphanet 827, MedGen C1855465, MeSH D000080362, MONDO:0009549, OMIM 248200.

Allele frequency attached by ClinVar (database versions not stated): gnomAD 0.00001; gnomAD exomes 0.00001 and below 0.00001.
gnomAD v4.1: 4 of 1,605,908 alleles (0.00025%); highest among the groups gnomAD compares: Admixed American, 0.0067%; no homozygotes.

Submissions (5):

PreventionGenetics, part of Exact Sciences
Classification: Likely pathogenic for ABCA4-related condition. Last evaluated: 2026-04-07. Review status: criteria provided, single submitter. Criteria: ACMG Guidelines, 2015. Collection method: clinical testing. Allele origin: germline.
Comment: The ABCA4 c.4667G>C variant is predicted to result in the amino acid substitution p.Arg1556Thr. This variant was also reported in a literature review of individuals with Stargardt disease (Table S2A, Cornelis et al. 2022. PubMed ID: 35120629). This variant affects the last nucleotide of the exon and is predicted to weaken the canonical donor splice site (SpliceAI, Jaganathan et al. 2019. PubMed ID: 30661751). Additional in vitro studies using a minigene splice vector also indicated this variant results in exon 32 skipping and an in-frame deletion, p.Ser1545_Gln1555del (Sangermano et al. 2017. PubMed ID: 29162642). A different nucleotide substitution at this same position (c.4667G>A) has also been reported in the homozygous state in a patient with a ABCA4-related disease and shown to result in the same splicing defect (Zernant et al. 2017. PubMed ID: 28446513; Fadaie et al. 2019. PubMed ID: 31397521). This variant is present in 0.0058% of alleles in individuals of Latino descent in gnomAD. This variant is interpreted as likely pathogenic.

GeneDx
Classification: Pathogenic. Last evaluated: 2025-12-26. Review status: criteria provided, single submitter. Criteria: GeneDx Variant Classification Process June 2021. Collection method: clinical testing. Allele origin: germline. Affected: yes.
Comment: RNA studies demonstrate a damaging effect: in-frame complete loss of exon 32 (PMID: 29162642); Not observed at significant frequency in large population cohorts (gnomAD); In silico analysis supports that this missense variant has a deleterious effect on protein structure/function; This variant is associated with the following publications: (PMID: 35120629, 31964843, 29162642, 39162841, 23419329)

Labcorp Genetics (formerly Invitae), Labcorp
Classification: Pathogenic. Last evaluated: 2025-12-17. Review status: criteria provided, single submitter. Criteria: Invitae Variant Classification Sherloc (09022015). Collection method: clinical testing. Allele origin: germline.
Comment: This sequence change replaces arginine, which is basic and polar, with threonine, which is neutral and polar, at codon 1556 of the ABCA4 protein (p.Arg1556Thr). RNA analysis indicates that this missense change induces altered splicing and likely results in a shortened protein product. This variant is present in population databases (no rsID available, gnomAD 0.006%). This missense change has been observed in individual(s) with inherited retinal dystrophy (PMID: 23419329; internal data). In at least one individual the data is consistent with being in trans (on the opposite chromosome) from a pathogenic variant. ClinVar contains an entry for this variant (Variation ID: 866739). An algorithm developed to predict the effect of missense changes on protein structure and function (PolyPhen-2) suggests that this variant is likely to be disruptive. Variants that disrupt the consensus splice site are a relatively common cause of aberrant splicing (PMID: 17576681, 9536098). Studies have shown that this missense change results in skipping of exon 32, but is expected to preserve the integrity of the reading-frame (PMID: 29162642). This variant disrupts the p.Arg1556 nucleotide in the ABCA4 gene. Other variant(s) that disrupt this nucleotide have been determined to be pathogenic (PMID: 23419329, 29162642, 31397521). This suggests that this nucleotide is clinically significant, and that variants that disrupt this position are likely to be disease-causing. For these reasons, this variant has been classified as Pathogenic.

Blueprint Genetics
Classification: Pathogenic for ABCA4-related disorders. Last evaluated: 2021-12-24. Review status: criteria provided, single submitter. Criteria: ACMG Guidelines, 2015. Collection method: clinical testing. Allele origin: germline. Affected: yes. Observed: 5 variant alleles.

Ophthalmo-Genetics Lab, Instituto de Oftalmologia Conde de Valenciana
Classification: Pathogenic for Severe early-childhood-onset retinal dystrophy. Review status: no assertion criteria provided. Collection method: research. Allele origin: germline. Inheritance: Autosomal recessive inheritance. Affected: yes. Not counted in ClinVar's aggregate classification.

Literature cited by the submitters: PubMed 23419329 (cited by Labcorp Genetics (formerly Invitae), Labcorp); PubMed 17576681 (cited by Labcorp Genetics (formerly Invitae), Labcorp); PubMed 9536098 (cited by Labcorp Genetics (formerly Invitae), Labcorp); PubMed 29162642 (cited by Labcorp Genetics (formerly Invitae), Labcorp and Ophthalmo-Genetics Lab, Instituto de Oftalmologia Conde de Valenciana); PubMed 31397521 (cited by Labcorp Genetics (formerly Invitae), Labcorp).

NM_000350.3(ABCA4):c.4667G>C (p.Arg1556Thr)

Gene: ABCA4 (ATP binding cassette subfamily A member 4; minus strand). Cytogenetic location: 1p22.1.
Variant type: single nucleotide variant.
Coding change: c.4667G>C on transcript NM_000350.3 (MANE Select); coding-DNA position 4667, G replaced by C.
Protein change: p.Arg1556Thr; replaces arginine 1556 with threonine.
Molecular consequence: missense variant.
Genome position (GRCh38, 1-based): chr1:94,023,386, C>G on the plus strand (G>C on the coding strand, the complement: ABCA4 is on the minus strand). VCF-style: chr1-94023386-C-G. GRCh37 (hg19) VCF-style: chr1-94488942-C-G.
Other names: c.4445G>C, p.Arg1482Thr (NM_001425324.1); short protein forms R1556T, R1482T.
Identifiers: ClinVar variation 866739 (VCV000866739.17), dbSNP rs1385119665, ClinGen allele CA341284162.
Genomic context (GRCh38, chr1:94,023,386, plus strand): 5'-GCAATTATTTCAACAATGAATCAATCTGAGATTTTAATTCTGATAAAAATAGTTTCTTAC[C>G]TCTGTTCATTGACCCAGAATTTGCTCTTTAAGCTGAAAGCCAAAATAAAATAATGCAATG-3'
Protein context (NP_000341.2, residues 1546-1566): LKSKFWVNEQ[Arg1556Thr]YGGISIGGKL